The following is an entry in ClinVar:

ClinVar aggregate classification (germline): Uncertain significance (1 of 4 stars; one submission).

Conditions:
Epilepsy, familial focal, with variable foci 3 (FFEVF3). Identifiers: MedGen C4310708, MONDO:0014925, OMIM 617118.

Allele frequency attached by ClinVar (database versions not stated): TOPMed below 0.00001; gnomAD exomes 0.00001.

Submission:

Labcorp Genetics (formerly Invitae), Labcorp
Classification: Uncertain significance for Epilepsy, familial focal, with variable foci 3. Last evaluated: 2025-10-13. Review status: criteria provided, single submitter. Criteria: Invitae Variant Classification Sherloc (09022015). Collection method: clinical testing. Allele origin: germline.
Comment: This sequence change replaces arginine, which is basic and polar, with glutamine, which is neutral and polar, at codon 250 of the NPRL3 protein (p.Arg250Gln). This variant is not present in population databases (gnomAD no frequency). This variant has not been reported in the literature in individuals affected with NPRL3-related conditions. ClinVar contains an entry for this variant (Variation ID: 1471292). Invitae Evidence Modeling of protein sequence and biophysical properties (such as structural, functional, and spatial information, amino acid conservation, physicochemical variation, residue mobility, and thermodynamic stability) indicates that this missense variant is not expected to disrupt NPRL3 protein function with a negative predictive value of 80%. In summary, the available evidence is currently insufficient to determine the role of this variant in disease. Therefore, it has been classified as a Variant of Uncertain Significance.

NM_001077350.3(NPRL3):c.749G>A (p.Arg250Gln)

Genes: HBA-LCR (alpha-globin locus control region; plus strand), NPRL3 (NPR3 like, GATOR1 complex subunit; minus strand). Cytogenetic location: 16p13.3.
Variant type: single nucleotide variant.
Coding change: c.749G>A on transcript NM_001077350.3 (MANE Select); coding-DNA position 749, G replaced by A.
Protein change: p.Arg250Gln; replaces arginine 250 with glutamine.
Molecular consequence: missense variant.
Genome position (GRCh38, 1-based): chr16:100,390, C>T on the plus strand (G>A on the coding strand, the complement: NPRL3 is on the minus strand). VCF-style: chr16-100390-C-T. GRCh37 (hg19) VCF-style: chr16-150388-C-T.
Other names: c.212G>A, p.Arg71Gln (NM_001039476.3); c.515G>A, p.Arg172Gln (NM_001243247.2); c.674G>A, p.Arg225Gln (NM_001243248.2, NM_001243249.2); short protein forms R71Q, R250Q, R172Q, R225Q.
Identifiers: ClinVar variation 1471292 (VCV001471292.6), dbSNP rs947759739, ClinGen allele CA276411460.